The following is an entry in ClinVar:

ClinVar aggregate classification (germline): Uncertain significance (1 of 4 stars; one submission).

Conditions:
Inborn genetic diseases. Identifiers: MedGen C0950123, MeSH D030342.

gnomAD v4.1: 34 of 1,614,094 alleles (0.0021%); highest among the groups gnomAD compares: Non-Finnish European, 0.0027%; no homozygotes.

Submission:

Ambry Genetics
Classification: Uncertain significance for Inborn genetic diseases. Last evaluated: 2026-08-23. Review status: criteria provided, single submitter. Criteria: Ambry Variant Classification Scheme 2023. Collection method: clinical testing. Allele origin: germline.
Comment: The c.12076T>C (p.S4026P) alteration is located in exon 70 (coding exon 70) of the MYCBP2 gene. This alteration results from a T to C substitution at nucleotide position 12076, causing the serine (S) at amino acid position 4026 to be replaced by a proline (P). Based on data from gnomAD, the C allele has an overall frequency of 0.003% (1/31398) total alleles studied. The highest observed frequency was 0.012% (1/8710) of African alleles. Based on insufficient or conflicting evidence, the clinical significance of this alteration remains unclear.

NM_015057.5(MYCBP2):c.12076T>C (p.Ser4026Pro)

Gene: MYCBP2 (MYC binding protein 2; minus strand). Cytogenetic location: 13q22.3.
Variant type: single nucleotide variant.
Coding change: c.12076T>C on transcript NM_015057.5 (MANE Select); coding-DNA position 12076, T replaced by C.
Protein change: p.Ser4026Pro; replaces serine 4026 with proline.
Molecular consequence: missense variant.
Genome position (GRCh38, 1-based): chr13:77,068,660, A>G on the plus strand (T>C on the coding strand, the complement: MYCBP2 is on the minus strand). VCF-style: chr13-77068660-A-G. GRCh37 (hg19) VCF-style: chr13-77642795-A-G.
Other names: short protein forms S4026P.
Identifiers: ClinVar variation 5025041 (VCV005025041.1).